The following is an entry in ClinVar:

ClinVar aggregate classification (germline): Uncertain significance. Review status: criteria provided, multiple submitters, no conflicts (2 of 4 stars). 3 submissions from 3 submitters: Uncertain significance (3). Last evaluated 2025-06-13.

Conditions:
Complement component 3 deficiency. Identifiers: Orphanet 280133, MedGen C3151071, MONDO:0013417, OMIM 613779.
Age related macular degeneration 9. Identifiers: MedGen C1969651, MONDO:0012659, OMIM 611378.
Atypical hemolytic-uremic syndrome with C3 anomaly. Also called: AHUS, SUSCEPTIBILITY TO, 5. Identifiers: Orphanet 2134, MedGen C2752037, MONDO:0013043, OMIM 612925.

Allele frequency attached by ClinVar (database versions not stated): gnomAD 0.00001; TOPMed 0.00002.
gnomAD v4.1: 15 of 1,613,690 alleles (0.00093%); highest among the groups gnomAD compares: African/African-American, 0.0013%; no homozygotes.

Submissions (3):

Labcorp Genetics (formerly Invitae), Labcorp
Classification: Uncertain significance. Last evaluated: 2025-06-13. Review status: criteria provided, single submitter. Criteria: Invitae Variant Classification Sherloc (09022015). Collection method: clinical testing. Allele origin: germline.
Comment: This sequence change replaces valine, which is neutral and non-polar, with isoleucine, which is neutral and non-polar, at codon 896 of the C3 protein (p.Val896Ile). This variant is present in population databases (no rsID available, gnomAD 0.002%). This variant has not been reported in the literature in individuals affected with C3-related conditions. ClinVar contains an entry for this variant (Variation ID: 2166086). Invitae Evidence Modeling of protein sequence and biophysical properties (such as structural, functional, and spatial information, amino acid conservation, physicochemical variation, residue mobility, and thermodynamic stability) indicates that this missense variant is not expected to disrupt C3 protein function with a negative predictive value of 80%. In summary, the available evidence is currently insufficient to determine the role of this variant in disease. Therefore, it has been classified as a Variant of Uncertain Significance.

Fulgent Genetics
Classification: Uncertain significance for Age related macular degeneration 9; Atypical hemolytic-uremic syndrome with C3 anomaly; Complement component 3 deficiency. Last evaluated: 2024-05-21. Review status: criteria provided, single submitter. Criteria: ACMG Guidelines, 2015. Collection method: clinical testing. Allele origin: germline.

Blueprint Genetics
Classification: Uncertain significance. Last evaluated: 2018-10-18. Review status: criteria provided, single submitter. Criteria: ACMG Guidelines, 2015. Collection method: clinical testing. Allele origin: germline.

NM_000064.4(C3):c.2686G>A (p.Val896Ile)

Gene: C3 (complement C3; minus strand). Cytogenetic location: 19p13.3.
Variant type: single nucleotide variant.
Coding change: c.2686G>A on transcript NM_000064.4 (MANE Select); coding-DNA position 2686, G replaced by A.
Protein change: p.Val896Ile; replaces valine 896 with isoleucine.
Molecular consequence: missense variant.
Genome position (GRCh38, 1-based): chr19:6,697,454, C>T on the plus strand (G>A on the coding strand, the complement: C3 is on the minus strand). VCF-style: chr19-6697454-C-T. GRCh37 (hg19) VCF-style: chr19-6697465-C-T.
Other names: short protein forms V896I.
Identifiers: ClinVar variation 2166086 (VCV002166086.6), dbSNP rs777574436, ClinGen allele CA304786034.
Genomic context (GRCh38, chr19:6,697,454, plus strand): 5'-CAGCAGCCTTGACTTCCACTTCCTGCAGGCCGGTCTTTAGCGGCACGATGACATATGGAA[C>T]GGACAACGAGGACTTGGGGGGGATGGTTACGGTCTGCTGGTGACGCCTCTTGGTGGTGGC-3'
Protein context (NP_000055.2, residues 886-906): VTIPPKSSLS[Val896Ile]PYVIVPLKTG